The following is an entry in ClinVar:

NM_004006.3(DMD):c.9847_9926del (p.Asp3283fs)

Gene: DMD (dystrophin; minus strand). Cytogenetic location: Xp21.2.
Variant type: Deletion.
Coding change: c.9847_9926del on transcript NM_004006.3 (MANE Select); coding-DNA positions 9847 to 9926, 80 bases deleted.
Protein change: p.Asp3283fs; shifts the reading frame from aspartic acid 3283.
Molecular consequence: frameshift variant.
Genome position (GRCh38, 1-based): chrX:31,182,786-31,182,865, 80 bases deleted. GRCh37 (hg19): chrX:31,200,904-31,200,983.
Other names: c.9823_9902del, p.Asp3275fs (NM_000109.4); c.9835_9914del, p.Asp3279fs (NM_004009.3); c.9478_9557del, p.Asp3160fs (NM_004010.3); c.5824_5903del, p.Asp1942fs (NM_004011.4); c.5815_5894del, p.Asp1939fs (NM_004012.4); c.2467_2546del, p.Asp823fs (NM_004013.3, NM_004020.4, NM_004021.3 and 2 more transcripts); c.1660_1739del, p.Asp554fs (NM_004014.3); c.643_722del, p.Asp215fs (NM_004015.3, NM_004016.3, NM_004017.3 and 2 more transcripts); short protein forms D215fs, D3283fs, D1939fs, D3160fs, D1942fs, D3275fs, D3279fs, D554fs.
Identifiers: ClinVar variation 3639895 (VCV003639895.2).

ClinVar aggregate classification (germline): Pathogenic (1 of 4 stars; one submission).

Conditions:
Duchenne muscular dystrophy (DMD). Also called: MUSCULAR DYSTROPHY, PSEUDOHYPERTROPHIC PROGRESSIVE, DUCHENNE TYPE; Duchenne Muscular Dystrophy (DMD). Identifiers: Orphanet 98896, MedGen C0013264, MONDO:0010679, OMIM 310200.

Submission:

Labcorp Genetics (formerly Invitae), Labcorp
Classification: Pathogenic for Duchenne muscular dystrophy. Last evaluated: 2024-02-09. Review status: criteria provided, single submitter. Criteria: Invitae Variant Classification Sherloc (09022015). Collection method: clinical testing. Allele origin: germline.
Comment: This sequence change creates a premature translational stop signal (p.Asp3283Serfs*5) in the DMD gene. It is expected to result in an absent or disrupted protein product. Loss-of-function variants in DMD are known to be pathogenic (PMID: 16770791, 25007885). This variant is not present in population databases (gnomAD no frequency). This variant has not been reported in the literature in individuals affected with DMD-related conditions. For these reasons, this variant has been classified as Pathogenic.

Literature cited by the submitters: PubMed 16770791; PubMed 25007885.